The following is an entry in ClinVar:

NM_000257.4(MYH7):c.2647_2649del (p.Glu883del)

Genes: MYH7 (myosin heavy chain 7; minus strand), LOC126861898 (BRD4-independent group 4 enhancer GRCh37_chr14:23893609-23894808; plus strand). Cytogenetic location: 14q11.2.
Variant type: Deletion.
Coding change: c.2647_2649del on transcript NM_000257.4 (MANE Select); coding-DNA positions 2647 to 2649, 3 bases deleted (GAG; older notation c.2647_2649delGAG).
Protein change: p.Glu883del; deletes glutamic acid 883.
Molecular consequence: inframe indel (on NM_000257.2).
Genome position (GRCh38, 1-based): chr14:23,424,799-23,424,801, CTC deleted on the plus strand (GAG on the coding strand, the reverse complement: MYH7 is on the minus strand); deleting any 3 consecutive bases within chr14:23,424,799-23,424,803 gives the same sequence; the c. name uses the placement nearest the transcript's 3' end. VCF-style (leftmost placement, unchanged base first): chr14-23424798-TCTC-T. GRCh37 (hg19) VCF-style: chr14-23894007-TCTC-T.
Other names: c.2645_2647delAGG, p.Glu883del (NM_000257.2); c.2647_2649del, p.Glu883del (NM_001407004.1); short protein forms E883del.
Identifiers: ClinVar variation 4527557 (VCV004527557.1).
Genomic context (GRCh38, chr14:23,424,798, plus strand): 5'-GGAAGAGCCAACAGTAGCCCAGGAGCCTCACCGCCTGCACTTGGAGCTGCAGGTCATTCT[TCTC>T]CTGCAGCAGGGACACCATCTTCTCCTCCAGCTCCTTGCGGCGAGCCTCGGACTTCTCTAG-3'

ClinVar aggregate classification (germline): Uncertain significance (1 of 4 stars; one submission).

Submission:

GeneDx
Classification: Uncertain significance. Last evaluated: 2025-05-08. Review status: criteria provided, single submitter. Criteria: GeneDx Variant Classification Process June 2021. Collection method: clinical testing. Allele origin: germline. Affected: yes.
Comment: Identified in a patient with HCM in published literature (PMID: 12707239); Not observed at significant frequency in large population cohorts (gnomAD); In silico analysis supports a deleterious effect on protein structure/function; In-frame deletion of 1 amino acid(s) with an unclear effect on protein function; This variant is associated with the following publications: (PMID: 12707239, 27532257, 29300372)